The following is an entry in ClinVar:

NM_001042492.3(NF1):c.2002-14C>T

Gene: NF1 (neurofibromin 1; plus strand). Cytogenetic location: 17q11.2.
Variant type: single nucleotide variant.
Coding change: c.2002-14C>T on transcript NM_001042492.3 (MANE Select); 14 bases into the intron before coding-DNA position 2002, C replaced by T.
Molecular consequence: intron variant.
Genome position (GRCh38, 1-based): chr17:31,226,421, C>T. VCF-style: chr17-31226421-C-T. GRCh37 (hg19) VCF-style: chr17-29553439-C-T.
Other names: c.2002-14C>T (NM_000267.4).
Identifiers: ClinVar variation 1570291 (VCV001570291.11), dbSNP rs928979051, ClinGen allele CA289334884.
Genomic context (GRCh38, chr17:31,226,421, plus strand): 5'-TTTATTGCATTGTTAGATTTTATACATAAAATTACCCAAGTTGCAAATATATGTCTTCCA[C>T]CCTTGACTCTCAGGATAGTGCAGCAGGATGCAGCGGAACCCCCCCGATTTGCCGACAAGC-3'

ClinVar aggregate classification (germline): Conflicting classifications of pathogenicity. Review status: criteria provided, conflicting classifications (1 of 4 stars). 4 submissions from 4 submitters: Uncertain significance (1); Likely benign (3). Last evaluated 2026-05-12.

Conditions:
Neurofibromatosis, type 1 (NF1). Also called: NEUROFIBROMATOSIS, TYPE I, SOMATIC; Neurofibromatosis, type I; VON RECKLINGHAUSEN DISEASE; Peripheral type neurofibromatosis. Identifiers: Orphanet 636, MedGen C0027831, MONDO:0018975, OMIM 162200. Disease mechanism: loss of function.
NF1-related disorder. Also called: NF1-related condition. Identifiers: MedGen CN379171.
Hereditary cancer-predisposing syndrome. Also called: Tumor predisposition; Neoplastic Syndromes, Hereditary; Hereditary neoplastic syndrome; Hereditary Cancer Syndrome. Identifiers: Orphanet 140162, MedGen C0027672, MeSH D009386, MONDO:0015356.

Allele frequency attached by ClinVar (database versions not stated): gnomAD 0.00001; gnomAD exomes 0.00001; TOPMed 0.00002.
gnomAD v4.1: 5 of 1,612,310 alleles (0.00031%); highest among the groups gnomAD compares: Admixed American, 0.0017%; no homozygotes.

Submissions (4):

Myriad Genetics, Inc.
Classification: Likely benign for Neurofibromatosis, type 1. Last evaluated: 2026-05-12. Review status: criteria provided, single submitter. Criteria: Myriad Autosomal Dominant, Autosomal Recessive and X-Linked Classification Criteria (2023). Collection method: clinical testing. Allele origin: unknown.
Comment: This variant is considered likely benign. This variant is intronic and is not expected to impact mRNA splicing.

PreventionGenetics, part of Exact Sciences
Classification: Likely benign for NF1-related condition. Last evaluated: 2026-02-18. Review status: criteria provided, single submitter. Criteria: ACMG Guidelines, 2015. Collection method: clinical testing. Allele origin: germline.
Comment: This variant is classified as likely benign based on ACMG/AMP sequence variant interpretation guidelines (Richards et al. 2015 PMID: 25741868, with internal and published modifications).

Labcorp Genetics (formerly Invitae), Labcorp
Classification: Likely benign for Neurofibromatosis, type 1. Last evaluated: 2026-01-11. Review status: criteria provided, single submitter. Criteria: Invitae Variant Classification Sherloc (09022015). Collection method: clinical testing. Allele origin: germline.

Sema4
Classification: Uncertain significance for Hereditary cancer-predisposing syndrome. Last evaluated: 2021-09-25. Review status: criteria provided, single submitter. Criteria: Sema4 Curation Guidelines. Collection method: curation. Allele origin: germline.
Comment: The NF1 c.2002-14C>T variant has not been reported in the literature to our knowledge. It was observed in 1/15420 chromosomes of the Non-Finnish European subpopulation in the large and broad cohorts of the Genome Aggregation Database (PMID: 32461654). The variant has not been reported in ClinVar. The evidence is insufficient to meet ACMG/AMP criteria for classifying the variant as benign or pathogenic. Thus, the clinical significance of this variant is currently uncertain.